The following is an entry in ClinVar:

ClinVar aggregate classification (germline): Likely benign. Review status: criteria provided, multiple submitters, no conflicts (2 of 4 stars). 3 submissions from 3 submitters: Likely benign (3). Last evaluated 2026-01-20.

Conditions:
Hypomyelination and Congenital Cataract (HLD5). Also called: hypomyelinating leukodystrophy 5. Identifiers: Orphanet 85163, MedGen C1864663, MONDO:0012514, OMIM 610532.
Inborn genetic diseases. Identifiers: MedGen C0950123, MeSH D030342.

Allele frequency attached by ClinVar (database versions not stated): gnomAD 0.00009 and 0.00017; TOPMed 0.00018; gnomAD exomes 0.00022 and 0.00039; ExAC 0.00038; 1000 Genomes Project 30x 0.00141; 1000 Genomes Project 0.00160.
gnomAD v4.1: 330 of 1,613,806 alleles (0.02%); highest among the groups gnomAD compares: East Asian, 0.7%; 1 homozygote.

Submissions (3):

Labcorp Genetics (formerly Invitae), Labcorp
Classification: Likely benign for Hypomyelination and Congenital Cataract. Last evaluated: 2026-01-20. Review status: criteria provided, single submitter. Criteria: Invitae Variant Classification Sherloc (09022015). Collection method: clinical testing. Allele origin: germline.

Ambry Genetics
Classification: Likely benign for Inborn genetic diseases. Last evaluated: 2023-05-05. Review status: criteria provided, single submitter. Criteria: Ambry Variant Classification Scheme 2023. Collection method: clinical testing. Allele origin: germline.

Illumina Laboratory Services, Illumina
Classification: Likely benign for Hypomyelination and Congenital Cataract. Last evaluated: 2018-01-13. Review status: criteria provided, single submitter. Criteria: ICSL Variant Classification Criteria 13 December 2019. Collection method: clinical testing. Allele origin: germline.
Comment: This variant was observed in the ICSL laboratory as part of a predisposition screen in an ostensibly healthy population. It had not been previously curated by ICSL or reported in the Human Gene Mutation Database (HGMD: prior to June 1st, 2018), and was therefore a candidate for classification through an automated scoring system. Utilizing variant allele frequency, disease prevalence and penetrance estimates, and inheritance mode, an automated score was calculated to assess if this variant is too frequent to cause the disease. Based on the score and internal cut-off values, a variant classified as likely benign is not then subjected to further curation. The score for this variant resulted in a classification of likely benign for this disease.

NM_032581.4(HYCC1):c.1339G>A (p.Ala447Thr)

Gene: HYCC1 (hyccin PI4KA lipid kinase complex subunit 1; minus strand). Cytogenetic location: 7p15.3.
Variant type: single nucleotide variant.
Coding change: c.1339G>A on transcript NM_032581.4 (MANE Select); coding-DNA position 1339, G replaced by A.
Protein change: p.Ala447Thr; replaces alanine 447 with threonine.
Molecular consequence: missense variant. On other transcripts: 3 prime UTR variant (2).
Genome position (GRCh38, 1-based): chr7:22,945,816, C>T on the plus strand (G>A on the coding strand, the complement: HYCC1 is on the minus strand). VCF-style: chr7-22945816-C-T. GRCh37 (hg19) VCF-style: chr7-22985435-C-T.
Other names: c.*375G>A (NM_001363466.2); c.*333G>A (NM_001363467.2); short protein forms A447T.
Identifiers: ClinVar variation 536257 (VCV000536257.15), dbSNP rs117545587, ClinGen allele CA4185746.